The following is an entry in ClinVar:

NM_033517.1:c.535del

Gene: SHANK3 (SH3 and multiple ankyrin repeat domains 3; plus strand).
Variant type: Deletion.
Other names: c.535del (NM_033517.1).
Identifiers: ClinVar variation 4527313 (VCV004527313.1).

ClinVar aggregate classification (germline): Uncertain significance (1 of 4 stars; one submission).

Submission:

GeneDx
Classification: Uncertain significance. Last evaluated: 2025-04-23. Review status: criteria provided, single submitter. Criteria: GeneDx Variant Classification Process June 2021. Collection method: clinical testing. Allele origin: germline. Affected: yes.
Comment: Not observed at significant frequency in large population cohorts (gnomAD); Frameshift variant predicted to result in protein truncation or nonsense mediated decay in a gene or region of a gene for which loss of function is not a well-established mechanism of disease; Has not been previously published as pathogenic or benign to our knowledge